The following is an entry in ClinVar:

ClinVar aggregate classification (germline): Likely pathogenic (1 of 4 stars; one submission).

Conditions:
Infantile liver failure syndrome 2 (ILFS2). Identifiers: MedGen C3809651, MONDO:0014659, OMIM 616483.

gnomAD v4.1: 1 of 1,614,044 alleles (0.000062%); highest among the groups gnomAD compares: South Asian, 0.0011%; no homozygotes.

Submission:

Neuberg Centre For Genomic Medicine, NCGM
Classification: Likely pathogenic for Infantile liver failure syndrome 2. Last evaluated: 2023-05-20. Review status: criteria provided, single submitter. Criteria: ACMG Guidelines, 2015. Collection method: clinical testing. Allele origin: germline. Inheritance: Autosomal recessive inheritance. Affected: yes.
Comment: The observed stop gained variant c.5953C>T(p.Gln1985Ter) in NBAS gene has not been reported previously as a pathogenic variant nor as a benign variant, to our knowledge. The c.5953C>T variant is absent in gnomAD Exomes. The reference nucleotide c.5953C>T in NBAS is predicted as conserved by GERP++ and PhyloP across 100 vertebrates. omputational evidence (Mutation Taster - Disease causing) predicts damaging effect on protein structure and function for this variant.This variant is predicted to cause loss of normal protein function through protein truncation. Loss of function variants have been previously reported to be disease causing (Kortüm F, et al., 2017). For these reasons, this variant has been classified as Likely Pathogenic.

NM_015909.4(NBAS):c.5953C>T (p.Gln1985Ter)

Gene: NBAS (NBAS subunit of NRZ tethering complex; minus strand). Cytogenetic location: 2p24.3.
Variant type: single nucleotide variant.
Coding change: c.5953C>T on transcript NM_015909.4 (MANE Select); coding-DNA position 5953, C replaced by T.
Protein change: p.Gln1985Ter; replaces glutamine 1985 with a stop codon.
Molecular consequence: nonsense. On other transcripts: non-coding transcript variant (1).
Genome position (GRCh38, 1-based): chr2:15,234,738, G>A on the plus strand (C>T on the coding strand, the complement: NBAS is on the minus strand). VCF-style: chr2-15234738-G-A. GRCh37 (hg19) VCF-style: chr2-15374862-G-A.
Other names: short protein forms Q1985*.
Identifiers: ClinVar variation 3362360 (VCV003362360.3).